The following is an entry in ClinVar:

ClinVar aggregate classification (germline): Pathogenic (1 of 4 stars; one submission).

Conditions:
Marfan syndrome (MFS). Also called: FBN1-Related Marfan Syndrome; MARFAN SYNDROME, TYPE I; Marfan syndrome type 1; Marfan's syndrome; Marfan syndrome, classic. Identifiers: Orphanet 284963, Orphanet 558, MedGen C0024796, MONDO:0007947, OMIM 154700.
Familial thoracic aortic aneurysm and aortic dissection (TAAD). Also called: Thoracic aortic aneurysms and dissections. Identifiers: Orphanet 91387, MedGen C4707243, MONDO:0019625.

Submission:

Labcorp Genetics (formerly Invitae), Labcorp
Classification: Pathogenic for Marfan syndrome; Familial thoracic aortic aneurysm and aortic dissection. Last evaluated: 2019-06-05. Review status: criteria provided, single submitter. Criteria: Invitae Variant Classification Sherloc (09022015). Collection method: clinical testing. Allele origin: germline.
Comment: This sequence change creates a premature translational stop signal (p.Gln193lysfs*28) in the FBN1 gene. It is expected to result in an absent or disrupted protein product. This variant is not present in population databases (ExAC no frequency). This variant has not been reported in the literature in individuals with FBN1-related conditions. Loss-of-function variants in FBN1 are known to be pathogenic (PMID: 17657824, 19293843). For these reasons, this variant has been classified as Pathogenic.

NM_000138.5(FBN1):c.577_583delinsAA (p.Gln193fs)

Gene: FBN1 (fibrillin 1; minus strand). Cytogenetic location: 15q21.1.
Variant type: Indel.
Coding change: c.577_583delinsAA on transcript NM_000138.5 (MANE Select); coding-DNA positions 577 to 583, CAGATGT replaced by AA.
Protein change: p.Gln193fs; shifts the reading frame from glutamine 193.
Molecular consequence: frameshift variant.
Genome position (GRCh38, 1-based): chr15:48,537,764-48,537,770, ACATCTG replaced by TT on the plus strand (CAGATGT replaced by AA on the coding strand, the reverse complement: FBN1 is on the minus strand). VCF-style: chr15-48537764-ACATCTG-TT. GRCh37 (hg19) VCF-style: chr15-48829961-ACATCTG-TT.
Other names: short protein forms Q193fs.
Identifiers: ClinVar variation 965260 (VCV000965260.1), dbSNP rs2044026528, ClinGen allele CA1139663907.